The following is an entry in ClinVar:

ClinVar aggregate classification (germline): Pathogenic (1 of 4 stars; one submission).

Conditions:
Hereditary cancer-predisposing syndrome. Also called: Tumor predisposition; Neoplastic Syndromes, Hereditary; Hereditary Cancer Syndrome; Hereditary neoplastic syndrome. Identifiers: Orphanet 140162, MedGen C0027672, MeSH D009386, MONDO:0015356.

Submission:

Ambry Genetics
Classification: Pathogenic for Hereditary cancer-predisposing syndrome. Last evaluated: 2024-11-01. Review status: criteria provided, single submitter. Criteria: Ambry Variant Classification Scheme 2023. Collection method: clinical testing. Allele origin: germline.
Comment: The c.762_765dupGAAG pathogenic mutation, located in coding exon 5 of the CHEK2 gene, results from a duplication of GAAG at nucleotide position 762, causing a translational frameshift with a predicted alternate stop codon (p.F256Efs*17). This alteration is expected to result in loss of function by premature protein truncation or nonsense-mediated mRNA decay. As such, this alteration is interpreted as a disease-causing mutation.

NM_007194.4(CHEK2):c.762_765dup (p.Phe256fs)

Gene: CHEK2 (checkpoint kinase 2; minus strand). Cytogenetic location: 22q12.1.
Variant type: Duplication.
Coding change: c.762_765dup on transcript NM_007194.4 (MANE Select); coding-DNA positions 762 to 765, 4 bases duplicated (GAAG; older notation c.762_765dupGAAG).
Protein change: p.Phe256fs; shifts the reading frame from phenylalanine 256.
Molecular consequence: frameshift variant.
Genome position (GRCh38, 1-based): chr22:28,711,936-28,711,939, CTTC duplicated on the plus strand (GAAG on the coding strand, the reverse complement: CHEK2 is on the minus strand); duplicating any 4 consecutive bases within chr22:28,711,936-28,711,942 gives the same sequence; the c. name uses the placement nearest the transcript's 3' end. VCF-style (leftmost placement, unchanged base first): chr22-28711935-A-ACTTC. GRCh37 (hg19) VCF-style: chr22-29107923-A-ACTTC.
Other names: c.888_891dup, p.Phe299Glufs (NM_001005735.3); c.96_99dup, p.Phe35Glufs (NM_001257387.3); c.558_561dup, p.Phe189Glufs (NM_001349956.3); c.759_762dup, p.Phe256Glufs (NM_145862.3); short protein forms F189fs, F299fs, F35fs, F256fs.
Identifiers: ClinVar variation 3492197 (VCV003492197.1).